The following is an entry in ClinVar:

NM_176824.3(BBS7):c.602-4G>T

Gene: BBS7 (Bardet-Biedl syndrome 7; minus strand). Cytogenetic location: 4q27.
Variant type: single nucleotide variant.
Coding change: c.602-4G>T on transcript NM_176824.3 (MANE Select); 4 bases into the intron before coding-DNA position 602, G replaced by T.
Molecular consequence: intron variant.
Genome position (GRCh38, 1-based): chr4:121,854,824, C>A on the plus strand (G>T on the coding strand, the complement: BBS7 is on the minus strand). VCF-style: chr4-121854824-C-A. GRCh37 (hg19) VCF-style: chr4-122775979-C-A.
Other names: c.602-4G>T (NM_018190.4).
Identifiers: ClinVar variation 2102035 (VCV002102035.4), dbSNP rs2149079256, ClinGen allele CA2580071438.

ClinVar aggregate classification (germline): Uncertain significance (1 of 4 stars; one submission).

Conditions:
Bardet-Biedl syndrome (BBS). Identifiers: Orphanet 110, MedGen C0752166, MONDO:0015229.

Submission:

Labcorp Genetics (formerly Invitae), Labcorp
Classification: Uncertain significance for Bardet-Biedl syndrome. Last evaluated: 2022-02-22. Review status: criteria provided, single submitter. Criteria: Invitae Variant Classification Sherloc (09022015). Collection method: clinical testing. Allele origin: germline.
Comment: In summary, the available evidence is currently insufficient to determine the role of this variant in disease. Therefore, it has been classified as a Variant of Uncertain Significance. Algorithms developed to predict the effect of sequence changes on RNA splicing suggest that this variant may disrupt the consensus splice site. This variant has not been reported in the literature in individuals affected with BBS7-related conditions. This variant is not present in population databases (gnomAD no frequency). This sequence change falls in intron 6 of the BBS7 gene. It does not directly change the encoded amino acid sequence of the BBS7 protein.